The following is an entry in ClinVar:

NM_016599.5(MYOZ2):c.182G>A (p.Arg61His)

Gene: MYOZ2 (myozenin 2; plus strand). Cytogenetic location: 4q26.
Variant type: single nucleotide variant.
Coding change: c.182G>A on transcript NM_016599.5 (MANE Select); coding-DNA position 182, G replaced by A.
Protein change: p.Arg61His; replaces arginine 61 with histidine.
Molecular consequence: missense variant.
Genome position (GRCh38, 1-based): chr4:119,150,977, G>A. VCF-style: chr4-119150977-G-A. GRCh37 (hg19) VCF-style: chr4-120072132-G-A.
Other names: short protein forms R61H.
Identifiers: ClinVar variation 953637 (VCV000953637.8), dbSNP rs748259386, ClinGen allele CA3058556.

ClinVar aggregate classification (germline): Uncertain significance. Review status: criteria provided, multiple submitters, no conflicts (2 of 4 stars). 3 submissions from 3 submitters: Uncertain significance (3). Last evaluated 2024-09-10.

Conditions:
Cardiovascular phenotype. Identifiers: MedGen CN230736.
Hypertrophic cardiomyopathy. Also called: HYPERTROPHIC MYOCARDIOPATHY. Identifiers: Orphanet 217569, MedGen C0007194, MeSH D002312, MONDO:0005045, HP:0001639.
MYOZ2-related disorder. Also called: MYOZ2-related condition.

Allele frequency attached by ClinVar (database versions not stated): gnomAD 0.00001; gnomAD exomes 0.00001 and 0.00002; ExAC 0.00002; TOPMed 0.00002.
gnomAD v4.1: 12 of 1,613,232 alleles (0.00074%); highest among the groups gnomAD compares: African/African-American, 0.004%; no homozygotes.

Submissions (3):

Ambry Genetics
Classification: Uncertain significance for Cardiovascular phenotype. Last evaluated: 2024-09-10. Review status: criteria provided, single submitter. Criteria: Ambry Variant Classification Scheme 2023. Collection method: clinical testing. Allele origin: germline.

Labcorp Genetics (formerly Invitae), Labcorp
Classification: Uncertain significance for Hypertrophic cardiomyopathy. Last evaluated: 2023-07-06. Review status: criteria provided, single submitter. Criteria: Invitae Variant Classification Sherloc (09022015). Collection method: clinical testing. Allele origin: germline.
Comment: In summary, the available evidence is currently insufficient to determine the role of this variant in disease. Therefore, it has been classified as a Variant of Uncertain Significance. Advanced modeling of protein sequence and biophysical properties (such as structural, functional, and spatial information, amino acid conservation, physicochemical variation, residue mobility, and thermodynamic stability) performed at Invitae indicates that this missense variant is expected to disrupt MYOZ2 protein function. ClinVar contains an entry for this variant (Variation ID: 953637). This variant has not been reported in the literature in individuals affected with MYOZ2-related conditions. This variant is present in population databases (rs748259386, gnomAD 0.01%). This sequence change replaces arginine, which is basic and polar, with histidine, which is basic and polar, at codon 61 of the MYOZ2 protein (p.Arg61His).

PreventionGenetics, part of Exact Sciences
Classification: Uncertain significance for MYOZ2-related condition. Last evaluated: 2023-05-03. Review status: criteria provided, single submitter. Criteria: ACMG Guidelines, 2015. Collection method: clinical testing. Allele origin: germline.
Comment: The MYOZ2 c.182G>A variant is predicted to result in the amino acid substitution p.Arg61His. To our knowledge, this variant has not been reported in the literature. This variant is reported in 0.012% of alleles in individuals of African descent in gnomAD. At this time, the clinical significance of this variant is uncertain due to the absence of conclusive functional and genetic evidence.